The following is an entry in ClinVar:

NM_130839.5(UBE3A):c.*3CAAAA[4] (p.Ter873=)

Genes: SNHG14 (small nucleolar RNA host gene 14; plus strand), UBE3A (ubiquitin protein ligase E3A; minus strand). Cytogenetic location: 15q11.2.
Variant type: Microsatellite.
Coding change: c.*3CAAAA[4] on transcript NM_130839.5 (MANE Select); four copies in a row of the 5-base unit CAAAA starting at c.*3; the reference has three copies in a row; one copy, 5 bases duplicated.
Protein change: p.Ter873=.
Molecular consequence: no sequence alteration. On other transcripts: non-coding transcript variant (1).
Genome position (GRCh38, 1-based): chr15:25,339,120-25,339,124, TTTTG duplicated on the plus strand (CAAAA on the coding strand, the reverse complement: UBE3A is on the minus strand); duplicating any 5 consecutive bases within chr15:25,339,120-25,339,138 gives the same sequence; the position shown is the placement nearest the transcript's 3' end. VCF-style (leftmost placement, unchanged base first): chr15-25339119-A-ATTTTG. GRCh37 (hg19) VCF-style: chr15-25584266-A-ATTTTG.
Other names: c.*13_*17dupCAAAA (NM_130838.4); c.*3CAAAA[4], p.Ter853= (NM_001374461.1, NM_130838.4, NM_001354506.2 and 14 more transcripts); c.*3CAAAA[4], p.Ter876= (NM_000462.5); c.*3CAAAA[4], p.Ter873= (NM_001354505.1, NM_001354538.2); c.*3CAAAA[4], p.Ter821= (NM_001354545.2); c.*3CAAAA[4], p.Ter814= (NM_001354546.2); c.*3CAAAA[4], p.Ter801= (NM_001354547.2, NM_001354548.2); c.*3CAAAA[4], p.Ter798= (NM_001354549.2); and 2 more.
Identifiers: ClinVar variation 3902207 (VCV003902207.1).

ClinVar aggregate classification (germline): Likely benign (1 of 4 stars; one submission).

Submission:

Women's Health and Genetics/Laboratory Corporation of America, LabCorp
Classification: Likely benign. Last evaluated: 2025-05-14. Review status: criteria provided, single submitter. Criteria: LabCorp Variant Classification Summary - May 2015. Collection method: clinical testing. Allele origin: germline.
Comment: Variant summary: UBE3A c.*13_*17dupCAAAA is located in the untranslated mRNA region downstream of the termination codon. The variant allele was found at a frequency of 1.5e-05 in 1424842 control chromosomes, predominantly at a frequency of 1.8e-05 within the Non-Finnish European subpopulation in the gnomAD database. Of note, this variant is found in a low complexity region, where several other similar del/dup/ins variants are reported. To our knowledge, no occurrence of c.*13_*17dupCAAAA in individuals affected with Angelman Syndrome and no experimental evidence demonstrating its impact on protein function have been reported. No submitters have cited clinical-significance assessments for this variant to ClinVar. Based on the evidence outlined above, the variant was classified as likely benign.